The following is an entry in ClinVar:

NM_053025.4(MYLK):c.3823C>T (p.Arg1275Ter)

Gene: MYLK (myosin light chain kinase; minus strand). Cytogenetic location: 3q21.1.
Variant type: single nucleotide variant.
Coding change: c.3823C>T on transcript NM_053025.4 (MANE Select); coding-DNA position 3823, C replaced by T.
Protein change: p.Arg1275Ter; replaces arginine 1275 with a stop codon.
Molecular consequence: nonsense.
Genome position (GRCh38, 1-based): chr3:123,666,227, G>A on the plus strand (C>T on the coding strand, the complement: MYLK is on the minus strand). VCF-style: chr3-123666227-G-A. GRCh37 (hg19) VCF-style: chr3-123385074-G-A.
Other names: c.3295C>T, p.Arg1099Ter (NM_001321309.2); c.3616C>T, p.Arg1206Ter (NM_053026.4, NM_053028.4); c.3823C>T, p.Arg1275Ter (NM_053027.4); short protein forms R1275*, R1206*, R1099*.
Identifiers: ClinVar variation 539075 (VCV000539075.10), dbSNP rs1382893400, ClinGen allele CA354230241.
Genomic context (GRCh38, chr3:123,666,227, plus strand): 5'-CTGTACGGATTATTCCCAGCACCCCCAGTGCCCACCCCATACCGTCACTGACCTGCTTTC[G>A]GAACTTCATCCAGGTACAGGTGATGGGCTGAGTGCCTGTCACTTTGCCAAACAGCTCCAC-3'

ClinVar aggregate classification (germline): Pathogenic. Review status: criteria provided, multiple submitters, no conflicts (2 of 4 stars). 2 submissions from 2 submitters: Pathogenic (2). Last evaluated 2025-10-04.

Conditions:
Familial thoracic aortic aneurysm and aortic dissection (TAAD). Also called: Thoracic aortic aneurysms and dissections. Identifiers: Orphanet 91387, MedGen C4707243, MONDO:0019625.
Aortic aneurysm, familial thoracic 7 (AAT7). Also called: AORTIC DISSECTION, FAMILIAL, WITH OR WITHOUT AORTIC ANEURYSM. Identifiers: MedGen C3151077, MONDO:0013418, OMIM 613780.

Allele frequency attached by ClinVar (database versions not stated): gnomAD exomes below 0.00001; TOPMed below 0.00001.
gnomAD v4.1: 4 of 1,614,172 alleles (0.00025%); highest among the groups gnomAD compares: Admixed American, 0.0017%; no homozygotes.

Submissions (2):

Labcorp Genetics (formerly Invitae), Labcorp
Classification: Pathogenic for Aortic aneurysm, familial thoracic 7. Last evaluated: 2025-10-04. Review status: criteria provided, single submitter. Criteria: Invitae Variant Classification Sherloc (09022015). Collection method: clinical testing. Allele origin: germline.
Comment: This sequence change creates a premature translational stop signal (p.Arg1275*) in the MYLK gene. This variant occurs within the aortic-specific isoform of MYLK. Loss-of-function variants in the aortic-specific isoform of MYLK are known to be pathogenic for thoracic aortic dissections (PMID: 21055718). This variant is present in population databases (no rsID available, gnomAD 0.0009%). This premature translational stop signal has been observed in individuals with aortopathy (internal data). It has also been observed to segregate with disease in related individuals. ClinVar contains an entry for this variant (Variation ID: 539075). For these reasons, this variant has been classified as Pathogenic.

Ambry Genetics
Classification: Pathogenic for Familial thoracic aortic aneurysm and aortic dissection. Last evaluated: 2025-08-14. Review status: criteria provided, single submitter. Criteria: Ambry Variant Classification Scheme 2023. Collection method: clinical testing. Allele origin: germline.
Comment: The p.R1275* pathogenic mutation (also known as c.3823C>T), located in coding exon 19 of the MYLK gene, results from a C to T substitution at nucleotide position 3823. This changes the amino acid from an arginine to a stop codon within coding exon 19. This variant was reported in individual(s) with features consistent with thoracic aortic aneurysm (Ambry internal data). This variant is considered to be rare based on population cohorts in the Genome Aggregation Database (gnomAD). This alteration is expected to result in loss of function by premature protein truncation or nonsense-mediated mRNA decay. As such, this alteration is interpreted as a disease-causing mutation.

Literature cited by the submitters: PubMed 21055718 (cited by Labcorp Genetics (formerly Invitae), Labcorp).